The following is an entry in ClinVar:

NM_005611.4(RBL2):c.3139C>T (p.Arg1047Ter)

Gene: RBL2 (RB transcriptional corepressor like 2; plus strand). Cytogenetic location: 16q12.2.
Variant type: single nucleotide variant.
Coding change: c.3139C>T on transcript NM_005611.4 (MANE Select); coding-DNA position 3139, C replaced by T.
Protein change: p.Arg1047Ter; replaces arginine 1047 with a stop codon.
Molecular consequence: nonsense.
Genome position (GRCh38, 1-based): chr16:53,481,725, C>T. VCF-style: chr16-53481725-C-T. GRCh37 (hg19) VCF-style: chr16-53515637-C-T.
Other names: c.3139C>T, p.Arg1047Ter (NM_001323608.2); c.3067C>T, p.Arg1023Ter (NM_001323609.2); c.2992C>T, p.Arg998Ter (NM_001323610.2); c.2917C>T, p.Arg973Ter (NM_001323611.1); short protein forms R1023*, R1047*, R973*, R998*.
Identifiers: ClinVar variation 3341363 (VCV003341363.1).

ClinVar aggregate classification (germline): Likely pathogenic (1 of 4 stars; one submission).

Conditions:
Brunet-Wagner neurodevelopmental syndrome (BRUWAG). Identifiers: MedGen C5562056, MONDO:0859217, OMIM 619690.

gnomAD v4.1: 4 of 1,609,852 alleles (0.00025%); highest among the groups gnomAD compares: Non-Finnish European, 0.00034%; no homozygotes.

Submission:

Neuberg Centre For Genomic Medicine, NCGM
Classification: Likely pathogenic for Brunet-Wagner neurodevelopmental syndrome. Last evaluated: 2023-05-20. Review status: criteria provided, single submitter. Criteria: ACMG Guidelines, 2015. Collection method: clinical testing. Allele origin: germline. Inheritance: Autosomal recessive inheritance. Affected: yes.
Comment: The observed stop gained variant c.3139C>T(p.Arg1047Ter) in RBL2 gene has not been reported previously as a pathogenic variant nor as a benign variant, to our knowledge. The c.3139C>T variant has 0.0004% allele frequency in gnomAD Exomes. Computational evidence (Mutation Taster - Disease causing) predicts damaging effect on protein structure and function for this variant. This variant is predicted to cause loss of normal protein function through protein truncation. Loss of function variants have been previously reported to be disease causing (Brunet T, et al., 2020). For these reasons, this variant has been classified as Likely Pathogenic.